The following is an entry in ClinVar:

NM_001080449.3(DNA2):c.385A>G (p.Ser129Gly)

Gene: DNA2 (DNA replication helicase/nuclease 2; minus strand). Cytogenetic location: 10q21.3.
Variant type: single nucleotide variant.
Coding change: c.385A>G on transcript NM_001080449.3 (MANE Select); coding-DNA position 385, A replaced by G.
Protein change: p.Ser129Gly; replaces serine 129 with glycine.
Molecular consequence: missense variant. On other transcripts: non-coding transcript variant (1).
Genome position (GRCh38, 1-based): chr10:68,468,179, T>C on the plus strand (A>G on the coding strand, the complement: DNA2 is on the minus strand). VCF-style: chr10-68468179-T-C. GRCh37 (hg19) VCF-style: chr10-70227936-T-C.
Other names: short protein forms S129G.
Identifiers: ClinVar variation 2383643 (VCV002383643.5), dbSNP rs781128357, ClinGen allele CA5525315.

ClinVar aggregate classification (germline): Uncertain significance. Review status: criteria provided, multiple submitters, no conflicts (2 of 4 stars). 2 submissions from 2 submitters: Uncertain significance (2). Last evaluated 2025-11-19.

Conditions:
Inborn genetic diseases. Identifiers: MedGen C0950123, MeSH D030342.

Allele frequency attached by ClinVar (database versions not stated): gnomAD exomes 0.00001; TOPMed 0.00003; gnomAD 0.00005; ExAC 0.00001.
gnomAD v4.1: 11 of 1,611,410 alleles (0.00068%); highest among the groups gnomAD compares: Middle Eastern, 0.016%; no homozygotes.

Submissions (2):

Labcorp Genetics (formerly Invitae), Labcorp
Classification: Uncertain significance. Last evaluated: 2025-11-19. Review status: criteria provided, single submitter. Criteria: Invitae Variant Classification Sherloc (09022015). Collection method: clinical testing. Allele origin: germline.
Comment: This sequence change replaces serine, which is neutral and polar, with glycine, which is neutral and non-polar, at codon 129 of the DNA2 protein (p.Ser129Gly). This variant is present in population databases (rs781128357, gnomAD 0.02%). This variant has not been reported in the literature in individuals affected with DNA2-related conditions. ClinVar contains an entry for this variant (Variation ID: 2383643). Invitae Evidence Modeling of protein sequence and biophysical properties (such as structural, functional, and spatial information, amino acid conservation, physicochemical variation, residue mobility, and thermodynamic stability) indicates that this missense variant is expected to disrupt DNA2 protein function with a positive predictive value of 80%. In summary, the available evidence is currently insufficient to determine the role of this variant in disease. Therefore, it has been classified as a Variant of Uncertain Significance.

Ambry Genetics
Classification: Uncertain significance for Inborn genetic diseases. Last evaluated: 2021-10-12. Review status: criteria provided, single submitter. Criteria: Ambry Variant Classification Scheme 2023. Collection method: clinical testing. Allele origin: germline.